The following is an entry in ClinVar:

ClinVar aggregate classification (germline): Likely benign. Review status: reviewed by expert panel (3 of 4 stars). 4 submissions from 4 submitters: Likely benign (1). 3 of the submissions do not count toward it. Last evaluated 2024-10-29.

Conditions:
RUNX1-related disorder. Also called: RUNX1-related condition.
Inborn genetic diseases. Identifiers: MedGen C0950123, MeSH D030342.
Hereditary thrombocytopenia and hematological cancer predisposition syndrome associated with RUNX1. Also called: Familial Platelet Disorder with Propensity to Acute Myelogenous Leukemia; RUNX1 Familial Platelet Disorder with Associated Myeloid Malignancies; PLATELET DISORDER, ASPIRIN-LIKE; Familial thrombocytopenia with propensity to acute myelogenous leukemia. Identifiers: Orphanet 71290, MedGen C1832388, MeSH C563324, MONDO:0100083, OMIM 601399.
Hereditary thrombocytopenia and hematologic cancer predisposition syndrome. Identifiers: Orphanet 71290, MedGen CN281654, MONDO:0011071.

gnomAD v4.1: 1 of 1,470,128 alleles (0.000068%); highest among the groups gnomAD compares: Non-Finnish European, 0.000091%; no homozygotes.

Submissions (4):

ClinGen Myeloid Malignancy Variant Curation Expert Panel
Classification: Likely benign for Hereditary thrombocytopenia and hematologic cancer predisposition syndrome. Last evaluated: 2024-10-29. Review status: reviewed by expert panel. Criteria: ClinGen MyeloMalig ACMG Specifications v2. Collection method: curation. Allele origin: germline. Inheritance: Autosomal dominant inheritance.
Comment: NM_001754.5(RUNX1):c.1260C>A (p.Gly420=) is a synonymous variant which has a SpliceAI score ≤ 0.20 (0.0) (BP4). This variant has a SpliceAI score ≤ 0.20 (0.0) and evolutionary conservation prediction algorithms predict the site as not being conserved (PhyloP score ≤ 2.0 (-1.00) (BP7). This variant is completely absent from all population databases with at least 20x coverage for RUNX1 (PM2_Supporting). In summary, this variant meets criteria to be classified as likely benign. ACMG/AMP criteria applied, as specified by the Myeloid Malignancy Variant Curation Expert Panel for RUNX1: BP4, BP7, PM2_supporting.

Ambry Genetics
Classification: Likely benign for Inborn genetic diseases. Last evaluated: 2025-01-28. Review status: criteria provided, single submitter. Criteria: Ambry Variant Classification Scheme 2023. Collection method: clinical testing. Allele origin: germline. Not counted in ClinVar's aggregate classification.

PreventionGenetics, part of Exact Sciences
Classification: Likely benign for RUNX1-related condition. Last evaluated: 2024-12-09. Review status: criteria provided, single submitter. Criteria: ACMG Guidelines, 2015. Collection method: clinical testing. Allele origin: germline. Not counted in ClinVar's aggregate classification.
Comment: This variant is classified as likely benign based on ACMG/AMP sequence variant interpretation guidelines (Richards et al. 2015 PMID: 25741868, with internal and published modifications).

Labcorp Genetics (formerly Invitae), Labcorp
Classification: Likely benign for Hereditary thrombocytopenia and hematological cancer predisposition syndrome associated with RUNX1. Last evaluated: 2023-04-14. Review status: criteria provided, single submitter. Criteria: Invitae Variant Classification Sherloc (09022015). Collection method: clinical testing. Allele origin: germline. Not counted in ClinVar's aggregate classification.

NM_001754.5(RUNX1):c.1260C>A (p.Gly420=)

Gene: RUNX1 (RUNX family transcription factor 1; minus strand). Cytogenetic location: 21q22.12.
Variant type: single nucleotide variant.
Coding change: c.1260C>A on transcript NM_001754.5 (MANE Select); coding-DNA position 1260, C replaced by A.
Protein change: p.Gly420=; no amino-acid change (glycine 420 retained).
Molecular consequence: synonymous variant.
Genome position (GRCh38, 1-based): chr21:34,792,318, G>T on the plus strand (C>A on the coding strand, the complement: RUNX1 is on the minus strand). VCF-style: chr21-34792318-G-T. GRCh37 (hg19) VCF-style: chr21-36164615-G-T.
Other names: NM_001754.5(RUNX1):c.1260C>A; p.Gly420=; c.1179C>A, p.Gly393= (NM_001001890.3).
Identifiers: ClinVar variation 2960779 (VCV002960779.6), dbSNP rs2145874515, ClinGen allele CA512341175.